The following is an entry in ClinVar:

NM_000191.3(HMGCL):c.931A>G (p.Asn311Asp)

Gene: HMGCL (3-hydroxy-3-methylglutaryl-CoA lyase; minus strand). Cytogenetic location: 1p36.11.
Variant type: single nucleotide variant.
Coding change: c.931A>G on transcript NM_000191.3 (MANE Select); coding-DNA position 931, A replaced by G.
Protein change: p.Asn311Asp; replaces asparagine 311 with aspartic acid.
Molecular consequence: missense variant.
Genome position (GRCh38, 1-based): chr1:23,802,510, T>C on the plus strand (A>G on the coding strand, the complement: HMGCL is on the minus strand). VCF-style: chr1-23802510-T-C. GRCh37 (hg19) VCF-style: chr1-24129000-T-C.
Other names: c.718A>G, p.Asn240Asp (NM_001166059.2); short protein forms N311D, N240D.
Identifiers: ClinVar variation 2334020 (VCV002334020.3), dbSNP rs1402984817, ClinGen allele CA339019614.

ClinVar aggregate classification (germline): Uncertain significance. Review status: criteria provided, multiple submitters, no conflicts (2 of 4 stars). 2 submissions from 2 submitters: Uncertain significance (2). Last evaluated 2024-04-24.

Conditions:
Inborn genetic diseases. Identifiers: MedGen C0950123, MeSH D030342.

Allele frequency attached by ClinVar (database versions not stated): gnomAD exomes below 0.00001; gnomAD 0.00001.
gnomAD v4.1: 3 of 1,614,006 alleles (0.00019%); highest among the groups gnomAD compares: Non-Finnish European, 0.00025%; no homozygotes.

Submissions (2):

GeneDx
Classification: Uncertain significance. Last evaluated: 2024-04-24. Review status: criteria provided, single submitter. Criteria: GeneDx Variant Classification Process June 2021. Collection method: clinical testing. Allele origin: germline. Affected: yes.
Comment: Not observed at significant frequency in large population cohorts (gnomAD); In silico analysis supports that this missense variant has a deleterious effect on protein structure/function; Has not been previously published as pathogenic or benign to our knowledge

Ambry Genetics
Classification: Uncertain significance for Inborn genetic diseases. Last evaluated: 2022-12-13. Review status: criteria provided, single submitter. Criteria: Ambry Variant Classification Scheme 2023. Collection method: clinical testing. Allele origin: germline.